The following is an entry in ClinVar:

NM_025243.4(SLC19A3):c.*103C>A

Gene: SLC19A3 (solute carrier family 19 member 3; minus strand). Cytogenetic location: 2q36.3.
Variant type: single nucleotide variant.
Coding change: c.*103C>A on transcript NM_025243.4 (MANE Select); 103 bases downstream of the stop codon, C replaced by A.
Molecular consequence: 3 prime UTR variant.
Genome position (GRCh38, 1-based): chr2:227,687,294, G>T on the plus strand (C>A on the coding strand, the complement: SLC19A3 is on the minus strand). VCF-style: chr2-227687294-G-T. GRCh37 (hg19) VCF-style: chr2-228552010-G-T.
Other names: c.*103C>A (NM_001371411.1, NM_001371412.1, NM_001371413.1 and 1 more transcripts).
Identifiers: ClinVar variation 897117 (VCV000897117.8), dbSNP rs116590386, ClinGen allele CA66655208.
Genomic context (GRCh38, chr2:227,687,294, plus strand): 5'-GAACTCATCTAAAACTGAGGTTTTGTTGTGGTTTTGAAAGGTCCATTGGAATCCAGATTT[G>T]CAAAGCATGTCAAGTTATGGCAAAACATATGCCACCCATCTCAAAATCTTTCCTTATTAT-3'

ClinVar aggregate classification (germline): Benign/Likely benign. Review status: criteria provided, multiple submitters, no conflicts (2 of 4 stars). 3 submissions from 3 submitters: Benign (1); Likely benign (2). Last evaluated 2018-07-09.

Conditions:
Biotin-responsive basal ganglia disease (BTBGD). Also called: Thiamine Transporter-2 Deficiency; THIAMINE METABOLISM DYSFUNCTION SYNDROME 2 (BIOTIN- AND THIAMINE-RESPONSIVE TYPE); Thiamine metabolism dysfunction syndrome type 2; thiamine-responsive encephalopathy; Thiamine metabolism dysfunction syndrome 2 (biotin- or thiamine-responsive encephalopathy type 2). Identifiers: Orphanet 199348, Orphanet 65284, MedGen C1843807, MONDO:0011841, OMIM 607483.

Allele frequency attached by ClinVar (database versions not stated): gnomAD exomes 0.00336; 1000 Genomes Project 30x 0.00750; 1000 Genomes Project 0.00799; gnomAD 0.00875 and 0.00909; TOPMed 0.00985.

Submissions (3):

GeneDx
Classification: Likely benign. Last evaluated: 2018-07-09. Review status: criteria provided, single submitter. Criteria: GeneDx Variant Classification Process June 2021. Collection method: clinical testing. Allele origin: germline. Affected: yes.

Illumina Laboratory Services, Illumina
Classification: Benign for Biotin-responsive basal ganglia disease. Last evaluated: 2018-01-12. Review status: criteria provided, single submitter. Criteria: ICSL Variant Classification Criteria 13 December 2019. Collection method: clinical testing. Allele origin: germline.
Comment: This variant was observed in the ICSL laboratory as part of a predisposition screen in an ostensibly healthy population. It had not been previously curated by ICSL or reported in the Human Gene Mutation Database (HGMD: prior to June 1st, 2018), and was therefore a candidate for classification through an automated scoring system. Utilizing variant allele frequency, disease prevalence and penetrance estimates, and inheritance mode, an automated score was calculated to assess if this variant is too frequent to cause the disease. Based on the score and internal cut-off values, a variant classified as benign is not then subjected to further curation. The score for this variant resulted in a classification of benign for this disease.

Breakthrough Genomics
Classification: Likely benign. Review status: criteria provided, single submitter. Criteria: ACMG Guidelines, 2015. Collection method: not provided. Allele origin: germline. Inheritance: Autosomal recessive inheritance. Affected: yes.